The following is an entry in ClinVar:

NM_001002755.4(NFU1):c.62+14C>T

Genes: NFU1 (NFU1 iron-sulfur cluster scaffold; minus strand), LOC129934004 (ATAC-STARR-seq lymphoblastoid active region 15971; plus strand). Cytogenetic location: 2p13.3.
Variant type: single nucleotide variant.
Coding change: c.62+14C>T on transcript NM_001002755.4 (MANE Select); 14 bases into the intron after coding-DNA position 62, C replaced by T.
Molecular consequence: intron variant. On other transcripts: 5 prime UTR variant (2).
Genome position (GRCh38, 1-based): chr2:69,437,347, G>A on the plus strand (C>T on the coding strand, the complement: NFU1 is on the minus strand). VCF-style: chr2-69437347-G-A. GRCh37 (hg19) VCF-style: chr2-69664479-G-A.
Other names: c.-302C>T (NM_001002756.2); c.-87C>T (NM_015700.4); c.-11+706C>T (NM_001374284.1).
Identifiers: ClinVar variation 383295 (VCV000383295.10), dbSNP rs370979719, ClinGen allele CA1694316.

ClinVar aggregate classification (germline): Likely benign. Review status: criteria provided, multiple submitters, no conflicts (2 of 4 stars). 3 submissions from 3 submitters: Likely benign (3). Last evaluated 2025-09-29.

Conditions:
Multiple mitochondrial dysfunctions syndrome 1 (MMDS1). Identifiers: Orphanet 401869, MedGen C3276432, MONDO:0011582, OMIM 605711.

Allele frequency attached by ClinVar (database versions not stated): 1000 Genomes Project 30x 0.00016; 1000 Genomes Project 0.00020; TOPMed 0.00022.

Submissions (3):

Labcorp Genetics (formerly Invitae), Labcorp
Classification: Likely benign for Multiple mitochondrial dysfunctions syndrome 1. Last evaluated: 2025-09-29. Review status: criteria provided, single submitter. Criteria: Invitae Variant Classification Sherloc (09022015). Collection method: clinical testing. Allele origin: germline.

Blueprint Genetics
Classification: Likely benign. Last evaluated: 2024-09-05. Review status: criteria provided, single submitter. Criteria: ACMG Guidelines, 2015. Collection method: clinical testing. Allele origin: germline.

GeneDx
Classification: Likely benign. Last evaluated: 2016-02-12. Review status: criteria provided, single submitter. Criteria: GeneDx Variant Classification (06012015). Collection method: clinical testing. Allele origin: germline. Affected: yes.
Comment: This variant is considered likely benign or benign based on one or more of the following criteria: it is a conservative change, it occurs at a poorly conserved position in the protein, it is predicted to be benign by multiple in silico algorithms, and/or has population frequency not consistent with disease.